The following is an entry in ClinVar:

ClinVar aggregate classification (germline): Pathogenic. Review status: criteria provided, multiple submitters, no conflicts (2 of 4 stars). 3 submissions from 3 submitters: Pathogenic (3). Last evaluated 2023-05-04.

Conditions:
Familial adenomatous polyposis 1 (FAP1). Also called: POLYPOSIS, ADENOMATOUS INTESTINAL; FAMILIAL ADENOMATOUS POLYPOSIS 1, ATTENUATED. Identifiers: MedGen C2713442, MONDO:0021056, OMIM 175100. Disease mechanism: loss of function.

Submissions (3):

Myriad Genetics, Inc.
Classification: Pathogenic for Familial adenomatous polyposis 1. Last evaluated: 2023-05-04. Review status: criteria provided, single submitter. Criteria: Myriad Autosomal Dominant, Autosomal Recessive and X-Linked Classification Criteria (2023). Collection method: clinical testing. Allele origin: unknown.
Comment: This variant is considered pathogenic. This variant creates a termination codon and is predicted to result in premature protein truncation.

Quest Diagnostics Nichols Institute San Juan Capistrano
Classification: Pathogenic. Last evaluated: 2018-05-17. Review status: criteria provided, single submitter. Criteria: Quest Diagnostics criteria. Collection method: clinical testing. Allele origin: germline.

Labcorp Genetics (formerly Invitae), Labcorp
Classification: Pathogenic for Familial adenomatous polyposis 1. Last evaluated: 2017-04-11. Review status: criteria provided, single submitter. Criteria: Invitae Variant Classification Sherloc (09022015). Collection method: clinical testing. Allele origin: germline.
Comment: While this particular variant has not been reported in the literature, loss-of-function variants in APC are known to be pathogenic (PMID: 20685668, 17963004). Even though this variant is located in the last exon of the gene, there are several different truncations downstream of this variant (p.Ser932*, p.Ala1050Glufs*6, p.Gln1062*) that have been determined to be pathogenic (PMID: 20685668, 23460355, 15771908). This suggests that deletion of this region of the APC protein is causative of disease. For these reasons, this variant has been classified as Pathogenic. This sequence change results in a premature translational stop signal in the last exon of the APC mRNA at codon 874 (p.Ser874*). While this is not anticipated to result in nonsense mediated decay, it is expected to delete the last 1970 amino acids of the APC protein.

Literature cited by the submitters: PubMed 20685668 (cited by Labcorp Genetics (formerly Invitae), Labcorp); PubMed 17963004 (cited by Labcorp Genetics (formerly Invitae), Labcorp); PubMed 23460355 (cited by Labcorp Genetics (formerly Invitae), Labcorp); PubMed 15771908 (cited by Labcorp Genetics (formerly Invitae), Labcorp).

NM_000038.6(APC):c.2621C>G (p.Ser874Ter)

Gene: APC (APC regulator of Wnt signaling pathway; plus strand). Cytogenetic location: 5q22.2.
Variant type: single nucleotide variant.
Coding change: c.2621C>G on transcript NM_000038.6 (MANE Select); coding-DNA position 2621, C replaced by G.
Protein change: p.Ser874Ter; replaces serine 874 with a stop codon.
Molecular consequence: nonsense.
Genome position (GRCh38, 1-based): chr5:112,838,215, C>G. VCF-style: chr5-112838215-C-G. GRCh37 (hg19) VCF-style: chr5-112173912-C-G.
Other names: c.2621C>G, p.Ser874Ter (NM_001127510.3, NM_001354895.2); c.2567C>G, p.Ser856Ter (NM_001127511.3); c.2675C>G, p.Ser892Ter (NM_001354896.2); c.2651C>G, p.Ser884Ter (NM_001354897.2); c.2546C>G, p.Ser849Ter (NM_001354898.2); c.2537C>G, p.Ser846Ter (NM_001354899.2); c.2498C>G, p.Ser833Ter (NM_001354900.2); c.2444C>G, p.Ser815Ter (NM_001354901.2); and 5 more; short protein forms S856*, S874*, S815*, S833*, S884*, S591*, S773*, S783*.
Identifiers: ClinVar variation 469762 (VCV000469762.12), dbSNP rs1554084318, ClinGen allele CA16027067.